The following is an entry in ClinVar:

NM_033159.4(HYAL1):c.355G>T (p.Ala119Ser)

Gene: HYAL1 (hyaluronidase 1; minus strand). Cytogenetic location: 3p21.31.
Variant type: single nucleotide variant.
Coding change: c.355G>T on transcript NM_033159.4 (MANE Select); coding-DNA position 355, G replaced by T.
Protein change: p.Ala119Ser; replaces alanine 119 with serine.
Molecular consequence: missense variant. On other transcripts: 5 prime UTR variant (1), non-coding transcript variant (1), intron variant (1).
Genome position (GRCh38, 1-based): chr3:50,302,602, C>A on the plus strand (G>T on the coding strand, the complement: HYAL1 is on the minus strand). VCF-style: chr3-50302602-C-A. GRCh37 (hg19) VCF-style: chr3-50340033-C-A.
Other names: c.355G>T, p.Ala119Ser (NM_153281.2, NM_153282.3); c.-192G>T (NM_153283.3); c.-26-397G>T (NM_153285.3); short protein forms A119S.
Identifiers: ClinVar variation 1488777 (VCV001488777.3), dbSNP rs587647302, ClinGen allele CA352894876.
Genomic context (GRCh38, chr3:50,302,602, plus strand): 5'-AGGCCCAGCGTGGGCGCCATGCCTCCCAGTCGATGACTGCCAGCCCTGAGAAGTCAGGAG[C>A]AGGTATGGCAGCCAGGATGTCCTGGAATGTGCGGGCCAGGTGGGCAATCAGGCTGGCATT-3'
Protein context (NP_149349.2, residues 109-129): TFQDILAAIP[Ala119Ser]PDFSGLAVID

ClinVar aggregate classification (germline): Uncertain significance (1 of 4 stars; one submission).

Conditions:
Deficiency of hyaluronoglucosaminidase (MPS9). Also called: Mucopolysaccharidosis type 9; HYALURONIDASE DEFICIENCY; MPS IX. Identifiers: Orphanet 67041, MedGen C1291490, MONDO:0011093, OMIM 601492.

Allele frequency attached by ClinVar (database versions not stated): gnomAD 0.00001; TOPMed 0.00001.
gnomAD v4.1: 6 of 1,614,042 alleles (0.00037%); highest among the groups gnomAD compares: African/African-American, 0.0013%; no homozygotes.

Submission:

Labcorp Genetics (formerly Invitae), Labcorp
Classification: Uncertain significance for Deficiency of hyaluronoglucosaminidase. Last evaluated: 2022-02-24. Review status: criteria provided, single submitter. Criteria: Invitae Variant Classification Sherloc (09022015). Collection method: clinical testing. Allele origin: germline.
Comment: This sequence change replaces alanine, which is neutral and non-polar, with serine, which is neutral and polar, at codon 119 of the HYAL1 protein (p.Ala119Ser). This variant is present in population databases (no rsID available, gnomAD 0.002%). This variant has not been reported in the literature in individuals affected with HYAL1-related conditions. Algorithms developed to predict the effect of missense changes on protein structure and function (SIFT, PolyPhen-2, Align-GVGD) all suggest that this variant is likely to be tolerated. In summary, the available evidence is currently insufficient to determine the role of this variant in disease. Therefore, it has been classified as a Variant of Uncertain Significance.